The following is an entry in ClinVar:

NM_138477.4(CDAN1):c.2220G>C (p.Leu740=)

Gene: CDAN1 (codanin 1; minus strand). Cytogenetic location: 15q15.2.
Variant type: single nucleotide variant.
Coding change: c.2220G>C on transcript NM_138477.4 (MANE Select); coding-DNA position 2220, G replaced by C.
Protein change: p.Leu740=; no amino-acid change (leucine 740 retained).
Molecular consequence: synonymous variant.
Genome position (GRCh38, 1-based): chr15:42,730,170, C>G on the plus strand (G>C on the coding strand, the complement: CDAN1 is on the minus strand). VCF-style: chr15-42730170-C-G. GRCh37 (hg19) VCF-style: chr15-43022368-C-G.
Identifiers: ClinVar variation 5039839 (VCV005039839.1).

ClinVar aggregate classification (germline): Likely benign (1 of 4 stars; one submission).

gnomAD v4.1: 1 of 1,614,214 alleles (0.000062%); highest among the groups gnomAD compares: Middle Eastern, 0.016%; no homozygotes.

Submission:

CeGaT Center for Human Genetics Tuebingen
Classification: Likely benign. Last evaluated: 2026-07-01. Review status: criteria provided, single submitter. Criteria: CeGaT Center For Human Genetics Tuebingen Variant Classification Criteria Version 2. Collection method: clinical testing. Allele origin: germline. Affected: yes. Observed: 1 variant allele.
Comment: CDAN1: BP4, BP7